The following is an entry in ClinVar:

NM_002582.4(PARN):c.755G>A (p.Arg252Lys)

Gene: PARN (poly(A)-specific ribonuclease; minus strand). Cytogenetic location: 16p13.12.
Variant type: single nucleotide variant.
Coding change: c.755G>A on transcript NM_002582.4 (MANE Select); coding-DNA position 755, G replaced by A.
Protein change: p.Arg252Lys; replaces arginine 252 with lysine.
Molecular consequence: missense variant.
Genome position (GRCh38, 1-based): chr16:14,604,174, C>T on the plus strand (G>A on the coding strand, the complement: PARN is on the minus strand). VCF-style: chr16-14604174-C-T. GRCh37 (hg19) VCF-style: chr16-14698031-C-T.
Other names: c.572G>A, p.Arg191Lys (NM_001134477.3); c.617G>A, p.Arg206Lys (NM_001242992.2); short protein forms R191K, R206K, R252K.
Identifiers: ClinVar variation 3761167 (VCV003761167.2).

ClinVar aggregate classification (germline): Uncertain significance (1 of 4 stars; one submission).

Conditions:
Dyskeratosis congenita, autosomal recessive 6 (DKCB6). Identifiers: MedGen C4225356, MONDO:0014600, OMIM 616353.
Pulmonary fibrosis and/or bone marrow failure, Telomere-related, 4. Also called: PULMONARY FIBROSIS AND/OR BONE MARROW FAILURE SYNDROME, TELOMERE-RELATED, 4. Identifiers: Orphanet 2032, MedGen C4225347, MONDO:0014612, OMIM 616371.

gnomAD v4.1: 1 of 1,602,928 alleles (0.000062%); highest among the groups gnomAD compares: South Asian, 0.0011%; no homozygotes.

Submission:

Labcorp Genetics (formerly Invitae), Labcorp
Classification: Uncertain significance for Dyskeratosis congenita, autosomal recessive 6; Pulmonary fibrosis and/or bone marrow failure, Telomere-related, 4. Last evaluated: 2024-07-21. Review status: criteria provided, single submitter. Criteria: Invitae Variant Classification Sherloc (09022015). Collection method: clinical testing. Allele origin: germline.
Comment: This sequence change replaces arginine, which is basic and polar, with lysine, which is basic and polar, at codon 252 of the PARN protein (p.Arg252Lys). This variant is not present in population databases (gnomAD no frequency). This variant has not been reported in the literature in individuals affected with PARN-related conditions. Advanced modeling of protein sequence and biophysical properties (such as structural, functional, and spatial information, amino acid conservation, physicochemical variation, residue mobility, and thermodynamic stability) performed at Invitae indicates that this missense variant is not expected to disrupt PARN protein function with a negative predictive value of 80%. In summary, the available evidence is currently insufficient to determine the role of this variant in disease. Therefore, it has been classified as a Variant of Uncertain Significance.